The following is an entry in ClinVar:

NM_017934.7(PHIP):c.4368A>C (p.Ser1456=)

Genes: IRAK1BP1 (interleukin 1 receptor associated kinase 1 binding protein 1; plus strand), PHIP (PHIP subunit of CUL4-Ring ligase complex; minus strand). Cytogenetic location: 6q14.1.
Variant type: single nucleotide variant.
Coding change: c.4368A>C on transcript NM_017934.7 (MANE Select); coding-DNA position 4368, A replaced by C.
Protein change: p.Ser1456=; no amino-acid change (serine 1456 retained).
Molecular consequence: synonymous variant.
Genome position (GRCh38, 1-based): chr6:78,946,713, T>G on the plus strand (A>C on the coding strand, the complement: PHIP is on the minus strand). VCF-style: chr6-78946713-T-G. GRCh37 (hg19) VCF-style: chr6-79656430-T-G.
Identifiers: ClinVar variation 4998581 (VCV004998581.1).

ClinVar aggregate classification (germline): Likely benign (1 of 4 stars; one submission).

Conditions:
PHIP-related disorder. Also called: PHIP-related disorders; PHIP-related condition.

gnomAD v4.1: 1 of 1,554,030 alleles (0.000064%); highest among the groups gnomAD compares: Non-Finnish European, 0.000086%; no homozygotes.

Submission:

PreventionGenetics, part of Exact Sciences
Classification: Likely benign for PHIP-related condition. Last evaluated: 2025-01-03. Review status: criteria provided, single submitter. Criteria: ACMG Guidelines, 2015. Collection method: clinical testing. Allele origin: germline.
Comment: This variant is classified as likely benign based on ACMG/AMP sequence variant interpretation guidelines (Richards et al. 2015 PMID: 25741868, with internal and published modifications).